The following is an entry in ClinVar:

ClinVar aggregate classification (germline): Uncertain significance. Review status: criteria provided, multiple submitters, no conflicts (2 of 4 stars). 3 submissions from 3 submitters: Uncertain significance (3). Last evaluated 2025-12-09.

Conditions:
Hereditary cancer-predisposing syndrome. Also called: Tumor predisposition; Hereditary Cancer Syndrome; Hereditary neoplastic syndrome; Neoplastic Syndromes, Hereditary. Identifiers: Orphanet 140162, MedGen C0027672, MeSH D009386, MONDO:0015356.
POLD1-related polyposis and colorectal cancer syndrome (CRCS10). Also called: Colorectal cancer 10; COLORECTAL CANCER, SUSCEPTIBILITY TO, ON CHROMOSOME 19q; Colorectal cancer, susceptibility to, 10. Identifiers: Orphanet 220460, MedGen C2675481, MONDO:0012953, OMIM 612591.

Allele frequency attached by ClinVar (database versions not stated): gnomAD exomes below 0.00001.
gnomAD v4.1: 6 of 1,606,824 alleles (0.00037%); highest among the groups gnomAD compares: African/African-American, 0.008%; no homozygotes.

Submissions (3):

Ambry Genetics
Classification: Uncertain significance for Hereditary cancer-predisposing syndrome. Last evaluated: 2025-12-09. Review status: criteria provided, single submitter. Criteria: Ambry Variant Classification Scheme 2023. Collection method: clinical testing. Allele origin: germline.
Comment: The p.D819V variant (also known as c.2456A>T), located in coding exon 19 of the POLD1 gene, results from an A to T substitution at nucleotide position 2456. The aspartic acid at codon 819 is replaced by valine, an amino acid with highly dissimilar properties. This amino acid position is conserved. In addition, this alteration is predicted to be tolerated by in silico analysis. Since supporting evidence is limited at this time, the clinical significance of this alteration remains unclear.

Labcorp Genetics (formerly Invitae), Labcorp
Classification: Uncertain significance for POLD1-related polyposis and colorectal cancer syndrome. Last evaluated: 2024-04-29. Review status: criteria provided, single submitter. Criteria: Invitae Variant Classification Sherloc (09022015). Collection method: clinical testing. Allele origin: germline.
Comment: This sequence change replaces aspartic acid, which is acidic and polar, with valine, which is neutral and non-polar, at codon 819 of the POLD1 protein (p.Asp819Val). This variant is not present in population databases (gnomAD no frequency). This variant has not been reported in the literature in individuals affected with POLD1-related conditions. ClinVar contains an entry for this variant (Variation ID: 840221). Advanced modeling of protein sequence and biophysical properties (such as structural, functional, and spatial information, amino acid conservation, physicochemical variation, residue mobility, and thermodynamic stability) performed at Invitae indicates that this missense variant is not expected to disrupt POLD1 protein function with a negative predictive value of 80%. In summary, the available evidence is currently insufficient to determine the role of this variant in disease. Therefore, it has been classified as a Variant of Uncertain Significance.

GeneDx
Classification: Uncertain significance. Last evaluated: 2023-01-24. Review status: criteria provided, single submitter. Criteria: GeneDx Variant Classification Process June 2021. Collection method: clinical testing. Allele origin: germline. Affected: yes.
Comment: Not observed at significant frequency in large population cohorts (gnomAD); In silico analysis supports that this missense variant has a deleterious effect on protein structure/function; Has not been previously published as pathogenic or benign to our knowledge; This variant is associated with the following publications: (PMID: 20951805)

NM_002691.4(POLD1):c.2456A>T (p.Asp819Val)

Gene: POLD1 (DNA polymerase delta 1, catalytic subunit; plus strand). Cytogenetic location: 19q13.33.
Variant type: single nucleotide variant.
Coding change: c.2456A>T on transcript NM_002691.4 (MANE Select); coding-DNA position 2456, A replaced by T.
Protein change: p.Asp819Val; replaces aspartic acid 819 with valine.
Molecular consequence: missense variant. On other transcripts: non-coding transcript variant (1).
Genome position (GRCh38, 1-based): chr19:50,414,882, A>T. VCF-style: chr19-50414882-A-T. GRCh37 (hg19) VCF-style: chr19-50918139-A-T.
Other names: c.2456A>T, p.Asp819Val (NM_001256849.1); c.2534A>T, p.Asp845Val (NM_001308632.1); short protein forms D819V, D845V.
Identifiers: ClinVar variation 840221 (VCV000840221.13), dbSNP rs1601241057, ClinGen allele CA406984788.